The following is an entry in ClinVar:

ClinVar aggregate classification (germline): Uncertain significance. Review status: criteria provided, multiple submitters, no conflicts (2 of 4 stars). 3 submissions from 3 submitters: Uncertain significance (3). Last evaluated 2025-11-04.

Conditions:
Hereditary pheochromocytoma and paraganglioma. Also called: Hereditary paragangliomas and pheochromocytomas; Hereditary Paraganglioma-Pheochromocytoma Syndromes; Hereditary pheochromocytoma-paraganglioma. Identifiers: Orphanet 29072, MedGen C4274332, MONDO:0017366.
Pheochromocytoma/paraganglioma syndrome 2. Also called: SDHAF2-Related Hereditary Paraganglioma-Pheochromocytoma Syndrome; GLOMUS TUMORS, FAMILIAL, 2; Paragangliomas 2; SDHAF2-Related Hereditary Paraganglioma-Pheochromocytoma Syndrome (Paragangliomas 2). Identifiers: Orphanet 29072, MedGen C1866552, MONDO:0011121, OMIM 601650.
Hereditary cancer-predisposing syndrome. Also called: Tumor predisposition; Hereditary Cancer Syndrome; Hereditary neoplastic syndrome; Neoplastic Syndromes, Hereditary. Identifiers: Orphanet 140162, MedGen C0027672, MeSH D009386, MONDO:0015356.

Allele frequency attached by ClinVar (database versions not stated): gnomAD exomes below 0.00001; TOPMed below 0.00001.

Submissions (3):

Ambry Genetics
Classification: Uncertain significance for Hereditary cancer-predisposing syndrome. Last evaluated: 2025-11-04. Review status: criteria provided, single submitter. Criteria: Ambry Variant Classification Scheme 2023. Collection method: clinical testing. Allele origin: germline.
Comment: The p.A128P variant (also known as c.382G>C), located in coding exon 4 of the SDHAF2 gene, results from a G to C substitution at nucleotide position 382. The alanine at codon 128 is replaced by proline, an amino acid with highly similar properties. This amino acid position is not well conserved in available vertebrate species. In addition, the in silico prediction for this alteration is inconclusive. Based on the available evidence, the clinical significance of this variant remains unclear.

Labcorp Genetics (formerly Invitae), Labcorp
Classification: Uncertain significance for Hereditary pheochromocytoma and paraganglioma. Last evaluated: 2024-03-20. Review status: criteria provided, single submitter. Criteria: Invitae Variant Classification Sherloc (09022015). Collection method: clinical testing. Allele origin: germline.
Comment: This sequence change replaces alanine, which is neutral and non-polar, with proline, which is neutral and non-polar, at codon 128 of the SDHAF2 protein (p.Ala128Pro). This variant is not present in population databases (gnomAD no frequency). This variant has not been reported in the literature in individuals affected with SDHAF2-related conditions. ClinVar contains an entry for this variant (Variation ID: 1375076). An algorithm developed to predict the effect of missense changes on protein structure and function (PolyPhen-2) suggests that this variant is likely to be disruptive. In summary, the available evidence is currently insufficient to determine the role of this variant in disease. Therefore, it has been classified as a Variant of Uncertain Significance.

Baylor Genetics
Classification: Uncertain significance for Pheochromocytoma/paraganglioma syndrome 2. Last evaluated: 2023-11-06. Review status: criteria provided, single submitter. Criteria: ACMG Guidelines, 2015. Collection method: clinical testing. Allele origin: unknown.

NM_017841.4(SDHAF2):c.382G>C (p.Ala128Pro)

Gene: SDHAF2 (succinate dehydrogenase complex assembly factor 2; plus strand). Cytogenetic location: 11q12.2.
Variant type: single nucleotide variant.
Coding change: c.382G>C on transcript NM_017841.4 (MANE Select); coding-DNA position 382, G replaced by C.
Protein change: p.Ala128Pro; replaces alanine 128 with proline.
Molecular consequence: missense variant.
Genome position (GRCh38, 1-based): chr11:61,445,952, G>C. VCF-style: chr11-61445952-G-C. GRCh37 (hg19) VCF-style: chr11-61213424-G-C.
Other names: short protein forms A128P.
Identifiers: ClinVar variation 1375076 (VCV001375076.12), dbSNP rs1006514566, ClinGen allele CA380685247.